The following is an entry in ClinVar:

ClinVar aggregate classification (germline): Likely benign (0 of 4 stars; one submission).

Conditions:
ANKRD17-related disorder. Also called: ANKRD17-related condition.

Allele frequency attached by ClinVar (database versions not stated): ExAC 0.00004; gnomAD 0.00007; gnomAD exomes 0.00007; ESP Exome Variant Server 0.00008; TOPMed 0.00010.
gnomAD v4.1: 112 of 1,612,278 alleles (0.0069%); highest among the groups gnomAD compares: Admixed American, 0.028%; no homozygotes.

Submission:

PreventionGenetics, part of Exact Sciences
Classification: Likely benign for ANKRD17-related condition. Last evaluated: 2022-11-17. Review status: no assertion criteria provided. Collection method: clinical testing. Allele origin: germline.
Comment: This variant is classified as likely benign based on ACMG/AMP sequence variant interpretation guidelines (Richards et al. 2015 PMID: 25741868, with internal and published modifications).

NM_032217.5(ANKRD17):c.498A>G (p.Thr166=)

Gene: ANKRD17 (ankyrin repeat domain 17; minus strand). Cytogenetic location: 4q13.3.
Variant type: single nucleotide variant.
Coding change: c.498A>G on transcript NM_032217.5 (MANE Select); coding-DNA position 498, A replaced by G.
Protein change: p.Thr166=; no amino-acid change (threonine 166 retained).
Molecular consequence: synonymous variant.
Genome position (GRCh38, 1-based): chr4:73,177,429, T>C on the plus strand (A>G on the coding strand, the complement: ANKRD17 is on the minus strand). VCF-style: chr4-73177429-T-C. GRCh37 (hg19) VCF-style: chr4-74043146-T-C.
Other names: c.159A>G, p.Thr53= (NM_001286771.3); c.498A>G, p.Thr166= (NM_015574.2, NM_198889.3).
Identifiers: ClinVar variation 3046636 (VCV003046636.2), dbSNP rs370474967, ClinGen allele CA2959133.